The following is an entry in ClinVar:

ClinVar aggregate classification (germline): Uncertain significance (1 of 4 stars; one submission).

gnomAD v4.1: 3 of 1,614,186 alleles (0.00019%); highest among the groups gnomAD compares: Non-Finnish European, 0.00025%; no homozygotes.

Submission:

GeneDx
Classification: Uncertain significance. Last evaluated: 2025-01-07. Review status: criteria provided, single submitter. Criteria: GeneDx Variant Classification Process June 2021. Collection method: clinical testing. Allele origin: germline. Affected: yes.
Comment: Not observed at significant frequency in large population cohorts (gnomAD); In silico analysis supports that this missense variant has a deleterious effect on protein structure/function; Has not been previously published as pathogenic or benign to our knowledge

NM_020791.4(TAOK1):c.2608C>T (p.Arg870Cys)

Gene: TAOK1 (TAO kinase 1; plus strand). Cytogenetic location: 17q11.2.
Variant type: single nucleotide variant.
Coding change: c.2608C>T on transcript NM_020791.4 (MANE Select); coding-DNA position 2608, C replaced by T.
Protein change: p.Arg870Cys; replaces arginine 870 with cysteine.
Molecular consequence: missense variant.
Genome position (GRCh38, 1-based): chr17:29,542,624, C>T. VCF-style: chr17-29542624-C-T. GRCh37 (hg19) VCF-style: chr17-27869642-C-T.
Other names: c.2164C>T, p.Arg722Cys (NM_025142.1); short protein forms R722C, R870C.
Identifiers: ClinVar variation 4056008 (VCV004056008.1).
Genomic context (GRCh38, chr17:29,542,624, plus strand): 5'-GAAGAAGAGATGTTGGCTTTGCAGAATGAGCGCACAGAACGAATACGAAGCCTGTTGGAA[C>T]GTCAAGCCAGAGAGATTGAAGCTTTTGACTCTGAAAGCATGAGACTAGGTTTTAGTAATA-3'
Protein context (NP_065842.1, residues 860-880): RTERIRSLLE[Arg870Cys]QAREIEAFDS